The following is an entry in ClinVar:

ClinVar aggregate classification (germline): Uncertain significance. Review status: criteria provided, multiple submitters, no conflicts (2 of 4 stars). 2 submissions from 2 submitters: Uncertain significance (2). Last evaluated 2025-11-27.

Allele frequency attached by ClinVar (database versions not stated): TOPMed 0.00001.
gnomAD v4.1: 3 of 1,614,198 alleles (0.00019%); highest among the groups gnomAD compares: East Asian, 0.0045%; no homozygotes.

Submissions (2):

Labcorp Genetics (formerly Invitae), Labcorp
Classification: Uncertain significance. Last evaluated: 2025-11-27. Review status: criteria provided, single submitter. Criteria: Invitae Variant Classification Sherloc (09022015). Collection method: clinical testing. Allele origin: germline.
Comment: This sequence change replaces valine, which is neutral and non-polar, with methionine, which is neutral and non-polar, at codon 673 of the ARHGEF1 protein (p.Val673Met). This variant is present in population databases (rs782575698, gnomAD 0.05%). This variant has not been reported in the literature in individuals affected with ARHGEF1-related conditions. ClinVar contains an entry for this variant (Variation ID: 1940944). An algorithm developed to predict the effect of missense changes on protein structure and function (PolyPhen-2) suggests that this variant is likely to be disruptive. In summary, the available evidence is currently insufficient to determine the role of this variant in disease. Therefore, it has been classified as a Variant of Uncertain Significance.

Ambry Genetics
Classification: Uncertain significance. Last evaluated: 2025-09-11. Review status: criteria provided, single submitter. Criteria: Ambry Variant Classification Scheme 2023. Collection method: clinical testing. Allele origin: germline.

NM_004706.4(ARHGEF1):c.1972G>A (p.Val658Met)

Gene: ARHGEF1 (Rho guanine nucleotide exchange factor 1; plus strand). Cytogenetic location: 19q13.2.
Variant type: single nucleotide variant.
Coding change: c.1972G>A on transcript NM_004706.4 (MANE Select); coding-DNA position 1972, G replaced by A.
Protein change: p.Val658Met; replaces valine 658 with methionine.
Molecular consequence: missense variant. On other transcripts: non-coding transcript variant (2).
Genome position (GRCh38, 1-based): chr19:41,904,089, G>A. VCF-style: chr19-41904089-G-A. GRCh37 (hg19) VCF-style: chr19-42408241-G-A.
Other names: c.2140G>A, p.Val714Met (NM_001396000.1); c.1873G>A, p.Val625Met (NM_001396002.1, NM_001396004.1, NM_198977.2); c.1972G>A, p.Val658Met (NM_001396003.1, NM_001396006.1); c.2017G>A, p.Val673Met (NM_199002.2); c.2017G>A (NM_199002.1); short protein forms V625M, V658M, V714M, V673M.
Identifiers: ClinVar variation 1940944 (VCV001940944.6), dbSNP rs782575698, ClinGen allele CA9466550.
Genomic context (GRCh38, chr19:41,904,089, plus strand): 5'-CCCCAGAACCTGGACATCACCAAGAAGAAATTGGTCCACGAGGGCCCACTGACGTGGCGG[G>A]TGACTAAGGACAAGGCAGTGGGTGAGTGCCAGAGCAGCTGCCTAGTGCAGGGTGTTGGGG-3'
Protein context (NP_004697.2, residues 648-668): LVHEGPLTWR[Val658Met]TKDKAVEVHV